The following is an entry in ClinVar:

NM_003718.5(CDK13):c.2058C>A (p.Arg686=)

Gene: CDK13 (cyclin dependent kinase 13; plus strand). Cytogenetic location: 7p14.1.
Variant type: single nucleotide variant.
Coding change: c.2058C>A on transcript NM_003718.5 (MANE Select); coding-DNA position 2058, C replaced by A.
Protein change: p.Arg686=; no amino-acid change (arginine 686 retained).
Molecular consequence: synonymous variant.
Genome position (GRCh38, 1-based): chr7:39,999,376, C>A. VCF-style: chr7-39999376-C-A. GRCh37 (hg19) VCF-style: chr7-40038975-C-A.
Other names: c.2058C>A, p.Arg686= (NM_031267.4).
Identifiers: ClinVar variation 3032366 (VCV003032366.2), dbSNP rs781345263, ClinGen allele CA454723968.
Genomic context (GRCh38, chr7:39,999,376, plus strand): 5'-AATTTGCTTGATTGTATATAAAAACTTTAGAACTATATTTGATAGAATATGTGGGCCTCG[C>A]TATGGTGAAACCAAAGAAAAAGATATTGACTGGGGAAAACGCTGCGTGGATAAATTTGAT-3'
Protein context (NP_003709.3, residues 676-696): SKRRPKICGP[Arg686=]YGETKEKDID

ClinVar aggregate classification (germline): Likely benign (0 of 4 stars; one submission).

Conditions:
CDK13-related disorder. Also called: CDK13-related condition. Identifiers: MedGen C5816700.

Submission:

PreventionGenetics, part of Exact Sciences
Classification: Likely benign for CDK13-related condition. Last evaluated: 2021-07-26. Review status: no assertion criteria provided. Collection method: clinical testing. Allele origin: germline.
Comment: This variant is classified as likely benign based on ACMG/AMP sequence variant interpretation guidelines (Richards et al. 2015 PMID: 25741868, with internal and published modifications).